The following is an entry in ClinVar:

ClinVar aggregate classification (germline): Conflicting classifications of pathogenicity. Review status: criteria provided, conflicting classifications (1 of 4 stars). 9 submissions from 8 submitters: Uncertain significance (2); Likely benign (6). 1 of the submissions does not count toward it. Last evaluated 2025-10-02.

Conditions:
Connective tissue disorder. Also called: Connective tissue disease. Identifiers: MedGen C0009782, MONDO:0003900.
HSPG2-related disorder. Also called: HSPG2-related condition; HSPG2-related disorders.
Schwartz-Jampel syndrome. Also called: Myotonic myopathy dwarfism chondrodystrophy and ocular and facial abnormalities. Identifiers: Orphanet 800, MedGen C0036391, MONDO:0009717.
Lethal Kniest-like syndrome (DDSH). Also called: Dyssegmental Dysplasia. Identifiers: Orphanet 1865, MedGen C1857100, MONDO:0009140, OMIM 224410.

Allele frequency attached by ClinVar (database versions not stated): ExAC 0.00010; 1000 Genomes Project 30x 0.00016; 1000 Genomes Project 0.00020; gnomAD exomes 0.00020; TOPMed 0.00029; gnomAD 0.00036 and 0.00038; ESP Exome Variant Server 0.00055.
gnomAD v4.1: 613 of 1,552,798 alleles (0.039%); highest among the groups gnomAD compares: Non-Finnish European, 0.051%; no homozygotes.

Submissions (9):

Labcorp Genetics (formerly Invitae), Labcorp
Classification: Likely benign. Last evaluated: 2025-10-02. Review status: criteria provided, single submitter. Criteria: Invitae Variant Classification Sherloc (09022015). Collection method: clinical testing. Allele origin: germline.

CeGaT Center for Human Genetics Tuebingen
Classification: Likely benign. Last evaluated: 2025-07-01. Review status: criteria provided, single submitter. Criteria: CeGaT Center For Human Genetics Tuebingen Variant Classification Criteria Version 2. Collection method: clinical testing. Allele origin: germline. Affected: yes. Observed: 1 variant allele.
Comment: HSPG2: BP4, BP7

ARUP Laboratories, Molecular Genetics and Genomics, ARUP Laboratories
Classification: Likely benign. Last evaluated: 2025-06-20. Review status: criteria provided, single submitter. Criteria: ARUP Molecular Germline Variant Investigation Process 2024. Collection method: clinical testing. Allele origin: germline.

Blueprint Genetics
Classification: Likely benign. Last evaluated: 2024-11-15. Review status: criteria provided, single submitter. Criteria: ACMG Guidelines, 2015. Collection method: clinical testing. Allele origin: germline.

Genome Diagnostics Laboratory, The Hospital for Sick Children
Classification: Likely benign for Connective tissue disorder. Last evaluated: 2021-07-19. Review status: criteria provided, single submitter. Criteria: ACMG Guidelines, 2015. Collection method: clinical testing. Allele origin: germline.

Illumina Laboratory Services, Illumina
Classification: Uncertain significance for Schwartz-Jampel syndrome type 1. Last evaluated: 2018-01-13. Review status: criteria provided, single submitter. Criteria: ICSL Variant Classification Criteria 13 December 2019. Collection method: clinical testing. Allele origin: germline.

Illumina Laboratory Services, Illumina
Classification: Uncertain significance for Lethal Kniest-like syndrome. Last evaluated: 2018-01-13. Review status: criteria provided, single submitter. Criteria: ICSL Variant Classification Criteria 13 December 2019. Collection method: clinical testing. Allele origin: germline.

Athena Diagnostics
Classification: Likely benign. Last evaluated: 2017-03-13. Review status: criteria provided, single submitter. Criteria: Athena Diagnostics Criteria. Collection method: clinical testing. Allele origin: germline.

PreventionGenetics, part of Exact Sciences
Classification: Likely benign for HSPG2-related condition. Last evaluated: 2020-05-04. Review status: no assertion criteria provided. Collection method: clinical testing. Allele origin: germline. Not counted in ClinVar's aggregate classification.
Comment: This variant is classified as likely benign based on ACMG/AMP sequence variant interpretation guidelines (Richards et al. 2015 PMID: 25741868, with internal and published modifications).

NM_005529.7(HSPG2):c.4647G>A (p.Thr1549=)

Gene: HSPG2 (heparan sulfate proteoglycan 2; minus strand). Cytogenetic location: 1p36.12.
Variant type: single nucleotide variant.
Coding change: c.4647G>A on transcript NM_005529.7 (MANE Select); coding-DNA position 4647, G replaced by A.
Protein change: p.Thr1549=; no amino-acid change (threonine 1549 retained).
Molecular consequence: synonymous variant.
Genome position (GRCh38, 1-based): chr1:21,864,193, C>T on the plus strand (G>A on the coding strand, the complement: HSPG2 is on the minus strand). VCF-style: chr1-21864193-C-T. GRCh37 (hg19) VCF-style: chr1-22190686-C-T.
Other names: c.4650G>A, p.Thr1550= (NM_001291860.2).
Identifiers: ClinVar variation 295841 (VCV000295841.29), dbSNP rs148362276, ClinGen allele CA672197.
Genomic context (GRCh38, chr1:21,864,193, plus strand): 5'-TGAGTGGCCATTGCATTCACATAGCTCGCAGTGGCCGAGGTAGAGCCCACTCCCGGTGCG[C>T]GTGTAGCCGGGGGCACAGTCCTAGGGGCAGAGAGGAAGGTTGGCCTCTGTTCCCAACGTG-3'
Protein context (NP_005520.4, residues 1539-1559): LSCQDCAPGY[Thr1549=]RTGSGLYLGH